The following is an entry in ClinVar:

ClinVar aggregate classification (germline): Uncertain significance (1 of 4 stars; one submission).

Conditions:
Hereditary cancer-predisposing syndrome. Also called: Neoplastic Syndromes, Hereditary; Tumor predisposition; Hereditary Cancer Syndrome; Hereditary neoplastic syndrome. Identifiers: Orphanet 140162, MedGen C0027672, MeSH D009386, MONDO:0015356.

Submission:

Ambry Genetics
Classification: Uncertain significance for Hereditary cancer-predisposing syndrome. Last evaluated: 2026-02-20. Review status: criteria provided, single submitter. Criteria: Ambry Variant Classification Scheme 2023. Collection method: clinical testing. Allele origin: germline.
Comment: The p.K266N variant (also known as c.798G>T), located in coding exon 4 of the MSH6 gene, results from a G to T substitution at nucleotide position 798. The lysine at codon 266 is replaced by asparagine, an amino acid with similar properties. This amino acid position is conserved. In addition, the in silico prediction for this alteration is inconclusive. Based on the available evidence, the clinical significance of this variant remains unclear.

NM_000179.3(MSH6):c.798G>T (p.Lys266Asn)

Gene: MSH6 (mutS homolog 6; plus strand). Cytogenetic location: 2p16.3.
Variant type: single nucleotide variant.
Coding change: c.798G>T on transcript NM_000179.3 (MANE Select); coding-DNA position 798, G replaced by T.
Protein change: p.Lys266Asn; replaces lysine 266 with asparagine.
Molecular consequence: missense variant. On other transcripts: 5 prime UTR variant (9), non-coding transcript variant (4), intron variant (1).
Genome position (GRCh38, 1-based): chr2:47,798,781, G>T. VCF-style: chr2-47798781-G-T. GRCh37 (hg19) VCF-style: chr2-48025920-G-T.
Other names: c.408G>T, p.Lys136Asn (NM_001281492.2); c.-109G>T (NM_001281493.2, NM_001281494.2, NM_001406811.1 and 6 more transcripts); c.894G>T, p.Lys298Asn (NM_001406795.1, NM_001406802.1); c.798G>T, p.Lys266Asn (NM_001406796.1, NM_001406798.1, NM_001406800.1 and 4 more transcripts); c.501G>T, p.Lys167Asn (NM_001406797.1, NM_001406801.1, NM_001406805.1 and 10 more transcripts); c.273G>T, p.Lys91Asn (NM_001406799.1, NM_001406806.1, NM_001406807.1); c.720G>T, p.Lys240Asn (NM_001406804.1); c.804G>T, p.Lys268Asn (NM_001406813.1); and 2 more; short protein forms K266N, K298N, K167N, K268N, K240N, K136N, K210N, K91N.
Identifiers: ClinVar variation 4825270 (VCV004825270.1).
Genomic context (GRCh38, chr2:47,798,781, plus strand): 5'-AAAACGAAGGGTCATATCAGATTCTGAGAGTGACATTGGTGGCTCTGATGTGGAATTTAA[G>T]CCAGACACTAAGGAGGAAGGAAGCAGTGATGAAATAAGCAGTGGAGTGGGGGATAGTGAG-3'
Protein context (NP_000170.1, residues 256-276): SDIGGSDVEF[Lys266Asn]PDTKEEGSSD